The following is an entry in ClinVar:

ClinVar aggregate classification (germline): Likely benign. Review status: criteria provided, multiple submitters, no conflicts (2 of 4 stars). 5 submissions from 5 submitters: Likely benign (4). 1 of the submissions does not count toward it. Last evaluated 2026-07-01.

Conditions:
GJB4-related disorder. Also called: GJB4-related condition.

Allele frequency attached by ClinVar (database versions not stated): 1000 Genomes Project 30x 0.00016; 1000 Genomes Project 0.00020; gnomAD 0.00183 and 0.00192; TOPMed 0.00202; ESP Exome Variant Server 0.00269.
gnomAD v4.1: 5,158 of 1,614,218 alleles (0.32%); highest among the groups gnomAD compares: Non-Finnish European, 0.4%; 14 homozygotes.

Submissions (5):

CeGaT Center for Human Genetics Tuebingen
Classification: Likely benign. Last evaluated: 2026-07-01. Review status: criteria provided, single submitter. Criteria: CeGaT Center For Human Genetics Tuebingen Variant Classification Criteria Version 2. Collection method: clinical testing. Allele origin: germline. Affected: yes. Observed: 1 variant allele.
Comment: GJB4: PM5, BS2

Labcorp Genetics (formerly Invitae), Labcorp
Classification: Likely benign. Last evaluated: 2025-10-19. Review status: criteria provided, single submitter. Criteria: Invitae Variant Classification Sherloc (09022015). Collection method: clinical testing. Allele origin: germline.

Blueprint Genetics
Classification: Likely benign. Last evaluated: 2024-11-14. Review status: criteria provided, single submitter. Criteria: ACMG Guidelines, 2015. Collection method: clinical testing. Allele origin: germline.

Breakthrough Genomics
Classification: Likely benign. Review status: criteria provided, single submitter. Criteria: ACMG Guidelines, 2015. Collection method: not provided. Allele origin: germline. Inheritance: Autosomal dominant inheritance. Affected: yes.

PreventionGenetics, part of Exact Sciences
Classification: Likely benign for GJB4-related condition. Last evaluated: 2019-05-10. Review status: no assertion criteria provided. Collection method: clinical testing. Allele origin: germline. Not counted in ClinVar's aggregate classification.
Comment: This variant is classified as likely benign based on ACMG/AMP sequence variant interpretation guidelines (Richards et al. 2015 PMID: 25741868, with internal and published modifications).

NM_153212.3(GJB4):c.371G>A (p.Arg124Gln)

Gene: GJB4 (gap junction protein beta 4; plus strand). Cytogenetic location: 1p34.3.
Variant type: single nucleotide variant.
Coding change: c.371G>A on transcript NM_153212.3 (MANE Select); coding-DNA position 371, G replaced by A.
Protein change: p.Arg124Gln; replaces arginine 124 with glutamine.
Molecular consequence: missense variant.
Genome position (GRCh38, 1-based): chr1:34,761,625, G>A. VCF-style: chr1-34761625-G-A. GRCh37 (hg19) VCF-style: chr1-35227226-G-A.
Other names: short protein forms R124Q.
Identifiers: ClinVar variation 713645 (VCV000713645.15), dbSNP rs140996335, ClinGen allele CA754564.